The following is an entry in ClinVar:

ClinVar aggregate classification (germline): Uncertain significance (1 of 4 stars; one submission).

Conditions:
Inborn genetic diseases. Identifiers: MedGen C0950123, MeSH D030342.

Submission:

Ambry Genetics
Classification: Uncertain significance for Inborn genetic diseases. Last evaluated: 2022-05-06. Review status: criteria provided, single submitter. Criteria: Ambry Variant Classification Scheme 2023. Collection method: clinical testing. Allele origin: germline.
Comment: The p.T87I variant (also known as c.260C>T), located in coding exon 3 of the AKT1 gene, results from a C to T substitution at nucleotide position 260. The threonine at codon 87 is replaced by isoleucine, an amino acid with similar properties. This amino acid position is conserved. In addition, this alteration is predicted to be deleterious by in silico analysis. Since supporting evidence is limited at this time, the clinical significance of this alteration remains unclear.

NM_001382430.1(AKT1):c.260C>T (p.Thr87Ile)

Gene: AKT1 (AKT serine/threonine kinase 1; minus strand). Cytogenetic location: 14q32.33.
Variant type: single nucleotide variant.
Coding change: c.260C>T on transcript NM_001382430.1 (MANE Select); coding-DNA position 260, C replaced by T.
Protein change: p.Thr87Ile; replaces threonine 87 with isoleucine.
Molecular consequence: missense variant.
Genome position (GRCh38, 1-based): chr14:104,776,686, G>A on the plus strand (C>T on the coding strand, the complement: AKT1 is on the minus strand). VCF-style: chr14-104776686-G-A. GRCh37 (hg19) VCF-style: chr14-105243023-G-A.
Other names: c.260C>T, p.Thr87Ile (NM_001014431.2, NM_001014432.2, NM_001382431.1 and 3 more transcripts); short protein forms T87I.
Identifiers: ClinVar variation 1793778 (VCV001793778.2), dbSNP rs2140929872, ClinGen allele CA391220666.
Genomic context (GRCh38, chr14:104,776,686, plus strand): 5'-AAGTGCCTGGCCTGGCCGCCACAGCCCACGTACCGCTCCTCAGGAGTCTCCACATGGAAG[G>A]TGCGTTCGATGACAGTGGTCCACTGCAGGCAGCGGATGATGAAGGTGTTGGGCCGGGGCC-3'
Protein context (NP_001369359.1, residues 77-97): CLQWTTVIER[Thr87Ile]FHVETPEERE